The following is an entry in ClinVar:

ClinVar aggregate classification (germline): Likely pathogenic (1 of 4 stars; one submission).

Conditions:
Granulomatous disease, chronic, autosomal recessive, cytochrome b-positive, type 2. Also called: Chronic Granulomatous Disease, Autosomal Recessive, Cytochrome b-Positive, Type II; CGD, AUTOSOMAL RECESSIVE CYTOCHROME b-POSITIVE, TYPE II; GRANULOMATOUS DISEASE, CHRONIC, DUE TO NCF2 DEFICIENCY; GRANULOMATOUS DISEASE, CHRONIC, AUTOSOMAL RECESSIVE, 2; Chronic granulomatous disease due to deficiency of NCF-2. Identifiers: Orphanet 379, MedGen C1856245, MONDO:0009310, OMIM 233710.

Allele frequency attached by ClinVar (database versions not stated): gnomAD exomes below 0.00001; ExAC 0.00001.
gnomAD v4.1: 1 of 1,613,770 alleles (0.000062%); highest among the groups gnomAD compares: Admixed American, 0.0017%; no homozygotes.

Submission:

Labcorp Genetics (formerly Invitae), Labcorp
Classification: Likely pathogenic for Granulomatous disease, chronic, autosomal recessive, cytochrome b-positive, type 2. Last evaluated: 2023-01-17. Review status: criteria provided, single submitter. Criteria: Invitae Variant Classification Sherloc (09022015). Collection method: clinical testing. Allele origin: germline.
Comment: In summary, the currently available evidence indicates that the variant is pathogenic, but additional data are needed to prove that conclusively. Therefore, this variant has been classified as Likely Pathogenic. Algorithms developed to predict the effect of sequence changes on RNA splicing suggest that this variant may disrupt the consensus splice site. This variant has not been reported in the literature in individuals affected with NCF2-related conditions. This variant is present in population databases (rs771126735, gnomAD 0.003%). This sequence change affects an acceptor splice site in intron 9 of the NCF2 gene. It is expected to disrupt RNA splicing. Variants that disrupt the donor or acceptor splice site typically lead to a loss of protein function (PMID: 16199547), and loss-of-function variants in NCF2 are known to be pathogenic (PMID: 10498624, 20167518).

Literature cited by the submitters: PubMed 16199547; PubMed 10498624; PubMed 20167518.

NM_000433.4(NCF2):c.925-2A>G

Gene: NCF2 (neutrophil cytosolic factor 2; minus strand). Cytogenetic location: 1q25.3.
Variant type: single nucleotide variant.
Coding change: c.925-2A>G on transcript NM_000433.4 (MANE Select); the canonical splice acceptor site of the intron before coding-DNA position 925, A replaced by G.
Molecular consequence: splice acceptor variant.
Genome position (GRCh38, 1-based): chr1:183,565,781, T>C on the plus strand (A>G on the coding strand, the complement: NCF2 is on the minus strand). VCF-style: chr1-183565781-T-C. GRCh37 (hg19) VCF-style: chr1-183534916-T-C.
Other names: c.817-2A>G (NM_001410895.1); c.925-2A>G (NM_001127651.3); c.682-2A>G (NM_001190789.2); c.790-2A>G (NM_001190794.2).
Identifiers: ClinVar variation 3024049 (VCV003024049.3), dbSNP rs771126735, ClinGen allele CA1284739.